The following is an entry in ClinVar:

ClinVar aggregate classification (germline): Uncertain significance (1 of 4 stars; one submission).

Conditions:
KIDINS220-related disorder. Also called: KIDINS220-related condition.

gnomAD v4.1: 31 of 1,614,032 alleles (0.0019%); highest among the groups gnomAD compares: Middle Eastern, 0.016%; no homozygotes.

Submission:

PreventionGenetics, part of Exact Sciences
Classification: Uncertain significance for KIDINS220-related condition. Last evaluated: 2025-01-18. Review status: criteria provided, single submitter. Criteria: ACMG Guidelines, 2015. Collection method: clinical testing. Allele origin: germline.
Comment: The KIDINS220 c.2348A>G variant is predicted to result in the amino acid substitution p.Lys783Arg. To our knowledge, this variant has not been reported in the literature. This variant is reported in 0.0046% of alleles in individuals of European (Finnish) descent in gnomAD. At this time, the clinical significance of this variant is uncertain due to the absence of conclusive functional and genetic evidence.

NM_020738.4(KIDINS220):c.2348A>G (p.Lys783Arg)

Gene: KIDINS220 (kinase D interacting substrate 220; minus strand). Cytogenetic location: 2p25.1.
Variant type: single nucleotide variant.
Coding change: c.2348A>G on transcript NM_020738.4 (MANE Select); coding-DNA position 2348, A replaced by G.
Protein change: p.Lys783Arg; replaces lysine 783 with arginine.
Molecular consequence: missense variant. On other transcripts: non-coding transcript variant (2).
Genome position (GRCh38, 1-based): chr2:8,779,696, T>C on the plus strand (A>G on the coding strand, the complement: KIDINS220 is on the minus strand). VCF-style: chr2-8779696-T-C. GRCh37 (hg19) VCF-style: chr2-8919826-T-C.
Other names: c.2351A>G, p.Lys784Arg (NM_001348729.2, NM_001348731.2, NM_001348734.2 and 3 more transcripts); c.2348A>G, p.Lys783Arg (NM_001348732.2, NM_001348735.2, NM_001348738.2 and 3 more transcripts); c.2222A>G, p.Lys741Arg (NM_001348736.2); short protein forms K784R, K741R, K783R.
Identifiers: ClinVar variation 4984227 (VCV004984227.1).
Genomic context (GRCh38, chr2:8,779,696, plus strand): 5'-ACATAACAATGGTGGCTTTTGAGGTGGCGCAAACGTACAGTGTCCAGCATCTGAAGGACT[T>C]TGTCCTGCTCACAGGCATCTAATCCATCGATGATGACCACCAGCCTTGTCTGATTCTGAG-3'
Protein context (NP_065789.1, residues 773-793): IDGLDACEQD[Lys783Arg]VLQMLDTVRV